The following is an entry in ClinVar:

NM_004795.4(KL):c.149C>T (p.Ala50Val)

Gene: KL (klotho; plus strand). Cytogenetic location: 13q13.1.
Variant type: single nucleotide variant.
Coding change: c.149C>T on transcript NM_004795.4 (MANE Select); coding-DNA position 149, C replaced by T.
Protein change: p.Ala50Val; replaces alanine 50 with valine.
Molecular consequence: missense variant.
Genome position (GRCh38, 1-based): chr13:33,016,589, C>T. VCF-style: chr13-33016589-C-T. GRCh37 (hg19) VCF-style: chr13-33590727-C-T.
Other names: c.149C>T (NM_004795.3); short protein forms A50V.
Identifiers: ClinVar variation 1447707 (VCV001447707.10), dbSNP rs1186993804, ClinGen allele CA387780110.
Genomic context (GRCh38, chr13:33,016,589, plus strand): 5'-GCCTGCGTGCGGAGCCGGGCGACGGCGCGCAGACCTGGGCCCGTTTCTCGCGGCCTCCTG[C>T]CCCCGAGGCCGCGGGCCTCTTCCAGGGCACCTTCCCCGACGGCTTCCTCTGGGCCGTGGG-3'
Protein context (NP_004786.2, residues 40-60): QTWARFSRPP[Ala50Val]PEAAGLFQGT

ClinVar aggregate classification (germline): Uncertain significance. Review status: criteria provided, multiple submitters, no conflicts (2 of 4 stars). 2 submissions from 2 submitters: Uncertain significance (2). Last evaluated 2025-10-24.

Allele frequency attached by ClinVar (database versions not stated): gnomAD 0.00002; gnomAD exomes 0.00003.

Submissions (2):

Ambry Genetics
Classification: Uncertain significance. Last evaluated: 2025-10-24. Review status: criteria provided, single submitter. Criteria: Ambry Variant Classification Scheme 2023. Collection method: clinical testing. Allele origin: germline.

Labcorp Genetics (formerly Invitae), Labcorp
Classification: Uncertain significance. Last evaluated: 2022-03-19. Review status: criteria provided, single submitter. Criteria: Invitae Variant Classification Sherloc (09022015). Collection method: clinical testing. Allele origin: germline.
Comment: In summary, the available evidence is currently insufficient to determine the role of this variant in disease. Therefore, it has been classified as a Variant of Uncertain Significance. Algorithms developed to predict the effect of missense changes on protein structure and function output the following: SIFT: "Tolerated"; PolyPhen-2: "Benign"; Align-GVGD: "Class C0". The valine amino acid residue is found in multiple mammalian species, which suggests that this missense change does not adversely affect protein function. This variant has not been reported in the literature in individuals affected with KL-related conditions. This variant is present in population databases (no rsID available, gnomAD 0.04%). This sequence change replaces alanine, which is neutral and non-polar, with valine, which is neutral and non-polar, at codon 50 of the KL protein (p.Ala50Val).